The following is an entry in ClinVar:

NM_139318.5(KCNH5):c.817C>T (p.Pro273Ser)

Gene: KCNH5 (potassium voltage-gated channel subfamily H member 5; minus strand). Cytogenetic location: 14q23.2.
Variant type: single nucleotide variant.
Coding change: c.817C>T on transcript NM_139318.5 (MANE Select); coding-DNA position 817, C replaced by T.
Protein change: p.Pro273Ser; replaces proline 273 with serine.
Molecular consequence: missense variant.
Genome position (GRCh38, 1-based): chr14:62,980,997, G>A on the plus strand (C>T on the coding strand, the complement: KCNH5 is on the minus strand). VCF-style: chr14-62980997-G-A. GRCh37 (hg19) VCF-style: chr14-63447715-G-A.
Other names: c.817C>T, p.Pro273Ser (NM_172375.3); short protein forms P273S.
Identifiers: ClinVar variation 960733 (VCV000960733.11), dbSNP rs747654948, ClinGen allele CA7217588.

ClinVar aggregate classification (germline): Uncertain significance (1 of 4 stars; one submission).

Conditions:
Early-infantile DEE. Also called: Early infantile epileptic encephalopathy; Ohtahara syndrome; Early infantile epileptic encephalopathy with suppression bursts. Identifiers: Orphanet 1934, MedGen C0393706, MONDO:0800491.

Allele frequency attached by ClinVar (database versions not stated): ExAC 0.00001; gnomAD exomes 0.00001 and 0.00002; TOPMed 0.00002; gnomAD 0.00003.
gnomAD v4.1: 13 of 1,614,036 alleles (0.00081%); highest among the groups gnomAD compares: Admixed American, 0.0083%; no homozygotes.

Submission:

Labcorp Genetics (formerly Invitae), Labcorp
Classification: Uncertain significance for Early-infantile DEE. Last evaluated: 2025-06-12. Review status: criteria provided, single submitter. Criteria: Invitae Variant Classification Sherloc (09022015). Collection method: clinical testing. Allele origin: germline.
Comment: This sequence change replaces proline, which is neutral and non-polar, with serine, which is neutral and polar, at codon 273 of the KCNH5 protein (p.Pro273Ser). This variant is present in population databases (rs747654948, gnomAD 0.006%). This variant has not been reported in the literature in individuals affected with KCNH5-related conditions. ClinVar contains an entry for this variant (Variation ID: 960733). Invitae Evidence Modeling of protein sequence and biophysical properties (such as structural, functional, and spatial information, amino acid conservation, physicochemical variation, residue mobility, and thermodynamic stability) indicates that this missense variant is not expected to disrupt KCNH5 protein function with a negative predictive value of 80%. In summary, the available evidence is currently insufficient to determine the role of this variant in disease. Therefore, it has been classified as a Variant of Uncertain Significance.